The following is an entry in ClinVar:

ClinVar aggregate classification (germline): Uncertain significance (1 of 4 stars; one submission).

Submission:

Greenwood Genetic Center Diagnostic Laboratories, Greenwood Genetic Center
Classification: Uncertain significance. Last evaluated: 2022-10-14. Review status: criteria provided, single submitter. Criteria: ACMG Guidelines, 2015. Collection method: clinical testing. Allele origin: germline. Affected: yes.
Comment: PS2, PM2, PP3

NM_001103146.3(GIGYF2):c.3099+1G>T

Gene: GIGYF2 (GRB10 interacting GYF protein 2; plus strand). Cytogenetic location: 2q37.1.
Variant type: single nucleotide variant.
Coding change: c.3099+1G>T on transcript NM_001103146.3 (MANE Select); the canonical splice donor site of the intron after coding-DNA position 3099, G replaced by T.
Molecular consequence: splice donor variant.
Genome position (GRCh38, 1-based): chr2:232,844,256, G>T. VCF-style: chr2-232844256-G-T. GRCh37 (hg19) VCF-style: chr2-233708966-G-T.
Other names: c.3099+1G>T (NM_015575.4); c.3162+1G>T (NM_001103147.2); c.3081+1G>T (NM_001103148.2).
Identifiers: ClinVar variation 2429076 (VCV002429076.4), dbSNP rs2469998743, ClinGen allele CA351009719.